The following is an entry in ClinVar:

ClinVar aggregate classification (germline): Uncertain significance (1 of 4 stars; one submission).

Submission:

Labcorp Genetics (formerly Invitae), Labcorp
Classification: Uncertain significance. Last evaluated: 2024-06-24. Review status: criteria provided, single submitter. Criteria: Invitae Variant Classification Sherloc (09022015). Collection method: clinical testing. Allele origin: germline.
Comment: This sequence change replaces histidine, which is basic and polar, with proline, which is neutral and non-polar, at codon 337 of the IMPG1 protein (p.His337Pro). This variant is not present in population databases (gnomAD no frequency). This variant has not been reported in the literature in individuals affected with IMPG1-related conditions. Algorithms developed to predict the effect of missense changes on protein structure and function output the following: SIFT: "Not Available"; PolyPhen-2: "Benign"; Align-GVGD: "Not Available". The proline amino acid residue is found in multiple mammalian species, which suggests that this missense change does not adversely affect protein function. In summary, the available evidence is currently insufficient to determine the role of this variant in disease. Therefore, it has been classified as a Variant of Uncertain Significance.

NM_001563.4(IMPG1):c.1010A>C (p.His337Pro)

Gene: IMPG1 (interphotoreceptor matrix proteoglycan 1; minus strand). Cytogenetic location: 6q14.1.
Variant type: single nucleotide variant.
Coding change: c.1010A>C on transcript NM_001563.4 (MANE Select); coding-DNA position 1010, A replaced by C.
Protein change: p.His337Pro; replaces histidine 337 with proline.
Molecular consequence: missense variant.
Genome position (GRCh38, 1-based): chr6:76,005,412, T>G on the plus strand (A>C on the coding strand, the complement: IMPG1 is on the minus strand). VCF-style: chr6-76005412-T-G. GRCh37 (hg19) VCF-style: chr6-76715129-T-G.
Other names: c.776A>C, p.His259Pro (NM_001282368.2); short protein forms H337P, H259P.
Identifiers: ClinVar variation 3668478 (VCV003668478.2).